The following is an entry in ClinVar:

NM_182920.2(ADAMTS9):c.1695G>C (p.Glu565Asp)

Gene: ADAMTS9 (ADAM metallopeptidase with thrombospondin type 1 motif 9; minus strand). Cytogenetic location: 3p14.1.
Variant type: single nucleotide variant.
Coding change: c.1695G>C on transcript NM_182920.2 (MANE Select); coding-DNA position 1695, G replaced by C.
Protein change: p.Glu565Asp; replaces glutamic acid 565 with aspartic acid.
Molecular consequence: missense variant.
Genome position (GRCh38, 1-based): chr3:64,647,955, C>G on the plus strand (G>C on the coding strand, the complement: ADAMTS9 is on the minus strand). VCF-style: chr3-64647955-C-G. GRCh37 (hg19) VCF-style: chr3-64633631-C-G.
Other names: c.1611G>C, p.Glu537Asp (NM_001318781.2); short protein forms E537D, E565D.
Identifiers: ClinVar variation 1967004 (VCV001967004.5), dbSNP rs1700837581, ClinGen allele CA353456593.

ClinVar aggregate classification (germline): Uncertain significance (1 of 4 stars; one submission).

Allele frequency attached by ClinVar (database versions not stated): gnomAD exomes 0.00001; TOPMed 0.00001.
gnomAD v4.1: 7 of 1,613,876 alleles (0.00043%); highest among the groups gnomAD compares: Non-Finnish European, 0.00059%; no homozygotes.

Submission:

Labcorp Genetics (formerly Invitae), Labcorp
Classification: Uncertain significance. Last evaluated: 2022-09-20. Review status: criteria provided, single submitter. Criteria: Invitae Variant Classification Sherloc (09022015). Collection method: clinical testing. Allele origin: germline.
Comment: In summary, the available evidence is currently insufficient to determine the role of this variant in disease. Therefore, it has been classified as a Variant of Uncertain Significance. Algorithms developed to predict the effect of missense changes on protein structure and function (SIFT, PolyPhen-2, Align-GVGD) all suggest that this variant is likely to be tolerated. This variant has not been reported in the literature in individuals affected with ADAMTS9-related conditions. This variant is not present in population databases (gnomAD no frequency). This sequence change replaces glutamic acid, which is acidic and polar, with aspartic acid, which is acidic and polar, at codon 565 of the ADAMTS9 protein (p.Glu565Asp).